The following is an entry in ClinVar:

ClinVar aggregate classification (germline): Uncertain significance (1 of 4 stars; one submission).

gnomAD v4.1: 2 of 1,613,774 alleles (0.00012%); highest among the groups gnomAD compares: Non-Finnish European, 0.00017%; no homozygotes.

Submission:

GeneDx
Classification: Uncertain significance. Last evaluated: 2026-03-05. Review status: criteria provided, single submitter. Criteria: GeneDx Variant Classification Process June 2021. Collection method: clinical testing. Allele origin: germline.
Comment: Not observed at significant frequency in large population cohorts (gnomAD); In silico analysis supports that this missense variant has a deleterious effect on protein structure/function; Has not been previously published as pathogenic or benign to our knowledge

NM_001378609.3(OTOGL):c.2075A>G (p.Tyr692Cys)

Gene: OTOGL (otogelin like; plus strand). Cytogenetic location: 12q21.31.
Variant type: single nucleotide variant.
Coding change: c.2075A>G on transcript NM_001378609.3 (MANE Select); coding-DNA position 2075, A replaced by G.
Protein change: p.Tyr692Cys; replaces tyrosine 692 with cysteine.
Molecular consequence: missense variant.
Genome position (GRCh38, 1-based): chr12:80,265,061, A>G. VCF-style: chr12-80265061-A-G. GRCh37 (hg19) VCF-style: chr12-80658841-A-G.
Other names: c.2075A>G, p.Tyr692Cys (NM_001368062.3, NM_001378610.3, NM_173591.7); short protein forms Y692C.
Identifiers: ClinVar variation 5008378 (VCV005008378.1).